The following is an entry in ClinVar:

ClinVar aggregate classification (germline): Uncertain significance (1 of 4 stars; one submission).

Allele frequency attached by ClinVar (database versions not stated): TOPMed below 0.00001; gnomAD 0.00001.
gnomAD v4.1: 1 of 1,614,078 alleles (0.000062%); highest among the groups gnomAD compares: Non-Finnish European, 0.000085%; no homozygotes.

Submission:

Labcorp Genetics (formerly Invitae), Labcorp
Classification: Uncertain significance. Last evaluated: 2022-02-11. Review status: criteria provided, single submitter. Criteria: Invitae Variant Classification Sherloc (09022015). Collection method: clinical testing. Allele origin: germline.
Comment: In summary, the available evidence is currently insufficient to determine the role of this variant in disease. Therefore, it has been classified as a Variant of Uncertain Significance. Algorithms developed to predict the effect of sequence changes on RNA splicing suggest that this variant may create or strengthen a splice site. Algorithms developed to predict the effect of missense changes on protein structure and function are either unavailable or do not agree on the potential impact of this missense change (SIFT: "Deleterious"; PolyPhen-2: "Probably Damaging"; Align-GVGD: "Class C0"). This variant has not been reported in the literature in individuals affected with PHYH-related conditions. This variant is not present in population databases (gnomAD no frequency). This sequence change replaces aspartic acid, which is acidic and polar, with glycine, which is neutral and non-polar, at codon 127 of the PHYH protein (p.Asp127Gly).

NM_006214.4(PHYH):c.380A>G (p.Asp127Gly)

Gene: PHYH (phytanoyl-CoA 2-hydroxylase; minus strand). Cytogenetic location: 10p13.
Variant type: single nucleotide variant.
Coding change: c.380A>G on transcript NM_006214.4 (MANE Select); coding-DNA position 380, A replaced by G.
Protein change: p.Asp127Gly; replaces aspartic acid 127 with glycine.
Molecular consequence: missense variant.
Genome position (GRCh38, 1-based): chr10:13,294,462, T>C on the plus strand (A>G on the coding strand, the complement: PHYH is on the minus strand). VCF-style: chr10-13294462-T-C. GRCh37 (hg19) VCF-style: chr10-13336462-T-C.
Other names: c.80A>G, p.Asp27Gly (NM_001037537.2, NM_001323080.2, NM_001323084.2); c.380A>G, p.Asp127Gly (NM_001323082.2, NM_001323083.2); short protein forms D127G, D27G.
Identifiers: ClinVar variation 2049292 (VCV002049292.4), dbSNP rs1272687602, ClinGen allele CA376036899.